The following is an entry in ClinVar:

NM_020928.2(ZSWIM6):c.731C>T (p.Thr244Ile)

Gene: ZSWIM6 (zinc finger SWIM-type containing 6; plus strand). Cytogenetic location: 5q12.1.
Variant type: single nucleotide variant.
Coding change: c.731C>T on transcript NM_020928.2 (MANE Select); coding-DNA position 731, C replaced by T.
Protein change: p.Thr244Ile; replaces threonine 244 with isoleucine.
Molecular consequence: missense variant.
Genome position (GRCh38, 1-based): chr5:61,472,735, C>T. VCF-style: chr5-61472735-C-T. GRCh37 (hg19) VCF-style: chr5-60768562-C-T.
Other names: c.731C>T (NM_020928.1); short protein forms T244I.
Identifiers: ClinVar variation 1461327 (VCV001461327.9), dbSNP rs951091051, ClinGen allele CA119657085.

ClinVar aggregate classification (germline): Uncertain significance. Review status: criteria provided, multiple submitters, no conflicts (2 of 4 stars). 2 submissions from 2 submitters: Uncertain significance (2). Last evaluated 2025-12-15.

Conditions:
Inborn genetic diseases. Identifiers: MedGen C0950123, MeSH D030342.

Allele frequency attached by ClinVar (database versions not stated): gnomAD exomes below 0.00001 and 0.00001; gnomAD 0.00005 and 0.00006; TOPMed 0.00005.
gnomAD v4.1: 13 of 1,550,226 alleles (0.00084%); highest among the groups gnomAD compares: African/African-American, 0.016%; no homozygotes.

Submissions (2):

Ambry Genetics
Classification: Uncertain significance for Inborn genetic diseases. Last evaluated: 2025-12-15. Review status: criteria provided, single submitter. Criteria: Ambry Variant Classification Scheme 2023. Collection method: clinical testing. Allele origin: germline.

Labcorp Genetics (formerly Invitae), Labcorp
Classification: Uncertain significance. Last evaluated: 2025-07-06. Review status: criteria provided, single submitter. Criteria: Invitae Variant Classification Sherloc (09022015). Collection method: clinical testing. Allele origin: germline.
Comment: This sequence change replaces threonine, which is neutral and polar, with isoleucine, which is neutral and non-polar, at codon 244 of the ZSWIM6 protein (p.Thr244Ile). This variant is not present in population databases (gnomAD no frequency). This variant has not been reported in the literature in individuals affected with ZSWIM6-related conditions. ClinVar contains an entry for this variant (Variation ID: 1461327). Invitae Evidence Modeling of protein sequence and biophysical properties (such as structural, functional, and spatial information, amino acid conservation, physicochemical variation, residue mobility, and thermodynamic stability) indicates that this missense variant is not expected to disrupt ZSWIM6 protein function with a negative predictive value of 80%. In summary, the available evidence is currently insufficient to determine the role of this variant in disease. Therefore, it has been classified as a Variant of Uncertain Significance.